The following is an entry in ClinVar:

NM_015374.3(SUN2):c.920G>A (p.Arg307His)

Genes: GTPBP1 (GTP binding protein 1; plus strand), SUN2 (Sad1 and UNC84 domain containing 2; minus strand). Cytogenetic location: 22q13.1.
Variant type: single nucleotide variant.
Coding change: c.920G>A on transcript NM_015374.3 (MANE Select); coding-DNA position 920, G replaced by A.
Protein change: p.Arg307His; replaces arginine 307 with histidine.
Molecular consequence: missense variant. On other transcripts: intron variant (3).
Genome position (GRCh38, 1-based): chr22:38,742,449, C>T on the plus strand (G>A on the coding strand, the complement: SUN2 is on the minus strand). VCF-style: chr22-38742449-C-T. GRCh37 (hg19) VCF-style: chr22-39138454-C-T.
Other names: c.983G>A, p.Arg328His (NM_001199579.2, NM_001394428.1); c.920G>A, p.Arg307His (NM_001199580.2, NM_001394431.1, NM_001394432.1 and 5 more transcripts); c.1013G>A, p.Arg338His (NM_001394427.1); c.965G>A, p.Arg322His (NM_001394429.1, NM_001394430.1); c.830G>A, p.Arg277His (NM_001394438.1); c.782G>A, p.Arg261His (NM_001394439.1, NM_001394440.1, NM_001394441.1); c.428G>A, p.Arg143His (NM_001394443.1); c.615-2017G>A (NM_001394444.1, NM_001394445.1); and 1 more; short protein forms R261H, R328H, R338H, R143H, R277H, R322H, R307H.
Identifiers: ClinVar variation 2729664 (VCV002729664.3), dbSNP rs756168243, ClinGen allele CA10235718.

ClinVar aggregate classification (germline): Uncertain significance (1 of 4 stars; one submission).

Conditions:
Emery-Dreifuss muscular dystrophy (EDMD). Also called: Scapuloperoneal syndrome, X-linked (formerly); Humeroperoneal neuromuscular disease, (formerly). Identifiers: Orphanet 261, MedGen C0410189, MONDO:0016830.

Allele frequency attached by ClinVar (database versions not stated): ExAC 0.00001; gnomAD exomes 0.00001; TOPMed 0.00002.
gnomAD v4.1: 19 of 1,613,622 alleles (0.0012%); highest among the groups gnomAD compares: Admixed American, 0.005%; no homozygotes.

Submission:

Labcorp Genetics (formerly Invitae), Labcorp
Classification: Uncertain significance for Emery-Dreifuss muscular dystrophy. Last evaluated: 2024-01-22. Review status: criteria provided, single submitter. Criteria: Invitae Variant Classification Sherloc (09022015). Collection method: clinical testing. Allele origin: germline.
Comment: This sequence change replaces arginine, which is basic and polar, with histidine, which is basic and polar, at codon 307 of the SUN2 protein (p.Arg307His). This variant is present in population databases (rs756168243, gnomAD 0.009%). This variant has not been reported in the literature in individuals affected with SUN2-related conditions. Algorithms developed to predict the effect of missense changes on protein structure and function output the following: SIFT: "Not Available"; PolyPhen-2: "Benign"; Align-GVGD: "Not Available". The histidine amino acid residue is found in multiple mammalian species, which suggests that this missense change does not adversely affect protein function. In summary, the available evidence is currently insufficient to determine the role of this variant in disease. Therefore, it has been classified as a Variant of Uncertain Significance.